The following is an entry in ClinVar:

NM_006268.5(DPF2):c.904+20C>G

Gene: DPF2 (double PHD fingers 2; plus strand). Cytogenetic location: 11q13.1.
Variant type: single nucleotide variant.
Coding change: c.904+20C>G on transcript NM_006268.5 (MANE Select); 20 bases into the intron after coding-DNA position 904, C replaced by G.
Molecular consequence: intron variant.
Genome position (GRCh38, 1-based): chr11:65,346,078, C>G. VCF-style: chr11-65346078-C-G. GRCh37 (hg19) VCF-style: chr11-65113549-C-G.
Other names: c.946+20C>G (NM_001330308.2).
Identifiers: ClinVar variation 1028497 (VCV001028497.2), dbSNP rs1301059856, ClinGen allele CA599964757.
Genomic context (GRCh38, chr11:65,346,078, plus strand): 5'-ACCCGAGGAGCTGGTGTCCTGTTCTGACTGTGGCCGCTCAGGTACTGCTTCCCGTGAAGG[C>G]TGCTGCTTTGCCCAGTCCCCAAGGGGCTCTTGGCTTGCTGGCCTCTAGGGCTGTCATAAC-3'

ClinVar aggregate classification (germline): Conflicting classifications of pathogenicity. Review status: criteria provided, conflicting classifications (1 of 4 stars). 2 submissions from 2 submitters: Uncertain significance (1); Likely benign (1). Last evaluated 2025-12-27.

Conditions:
Coffin-Siris syndrome 7. Identifiers: MedGen C4747954, MONDO:0054831, OMIM 618027.

Allele frequency attached by ClinVar (database versions not stated): gnomAD exomes below 0.00001.
gnomAD v4.1: 1 of 1,613,906 alleles (0.000062%); highest among the groups gnomAD compares: Admixed American, 0.0017%; no homozygotes.

Submissions (2):

Labcorp Genetics (formerly Invitae), Labcorp
Classification: Likely benign. Last evaluated: 2025-12-27. Review status: criteria provided, single submitter. Criteria: Invitae Variant Classification Sherloc (09022015). Collection method: clinical testing. Allele origin: germline.

Baylor Genetics
Classification: Uncertain significance for Coffin-Siris syndrome 7. Last evaluated: 2019-05-10. Review status: criteria provided, single submitter. Criteria: ACMG Guidelines, 2015. Collection method: clinical testing. Allele origin: unknown. Affected: yes.
Comment: This variant was determined to be of uncertain significance according to ACMG Guidelines, 2015 [PMID:25741868].